The following is an entry in ClinVar:

ClinVar aggregate classification (germline): Uncertain significance (1 of 4 stars; one submission).

Submission:

Labcorp Genetics (formerly Invitae), Labcorp
Classification: Uncertain significance. Last evaluated: 2025-05-25. Review status: criteria provided, single submitter. Criteria: Invitae Variant Classification Sherloc (09022015). Collection method: clinical testing. Allele origin: germline.
Comment: This sequence change replaces serine, which is neutral and polar, with cysteine, which is neutral and slightly polar, at codon 878 of the KIF20A protein (p.Ser878Cys). This variant is not present in population databases (gnomAD no frequency). This variant has not been reported in the literature in individuals affected with KIF20A-related conditions. An algorithm developed to predict the effect of missense changes on protein structure and function (PolyPhen-2) suggests that this variant is likely to be disruptive. In summary, the available evidence is currently insufficient to determine the role of this variant in disease. Therefore, it has been classified as a Variant of Uncertain Significance.

NM_005733.3(KIF20A):c.2633C>G (p.Ser878Cys)

Gene: KIF20A (kinesin family member 20A; plus strand). Cytogenetic location: 5q31.2.
Variant type: single nucleotide variant.
Coding change: c.2633C>G on transcript NM_005733.3 (MANE Select); coding-DNA position 2633, C replaced by G.
Protein change: p.Ser878Cys; replaces serine 878 with cysteine.
Molecular consequence: missense variant.
Genome position (GRCh38, 1-based): chr5:138,187,373, C>G. VCF-style: chr5-138187373-C-G. GRCh37 (hg19) VCF-style: chr5-137523062-C-G.
Other names: short protein forms S878C.
Identifiers: ClinVar variation 4751339 (VCV004751339.1).
Genomic context (GRCh38, chr5:138,187,373, plus strand): 5'-CAACCTGCCAAAGCTCAACAGACTGCAGCCCTTATGCCCGGATCCTACGCTCACGGCGTT[C>G]CCCTTTACTCAAATCTGGGCCTTTTGGCAAAAAGTACTAAGGCTGTGGGGAAAGAGAAGA-3'
Protein context (NP_005724.1, residues 868-888): PYARILRSRR[Ser878Cys]PLLKSGPFGK